The following is an entry in ClinVar:

ClinVar aggregate classification (germline): Likely pathogenic (1 of 4 stars; one submission).

Submission:

Dasa
Classification: Likely pathogenic. Last evaluated: 2026-04-08. Review status: criteria provided, single submitter. Criteria: DASA Assertion Criteria. Collection method: clinical testing. Allele origin: germline.
Comment: NM_033380.3(COL4A5):c.974G>T (p.Gly325Val) is a missense variant that results in the substitution of glycine with valine. The affected residue or protein region has prior evidence supporting clinical relevance. This variant is absent from population databases. Computational evidence supports a deleterious effect. Based on the currently available evidence, this variant is classified as likely pathogenic.

NM_033380.3(COL4A5):c.974G>T (p.Gly325Val)

Gene: COL4A5 (collagen type IV alpha 5 chain; plus strand). Cytogenetic location: Xq22.3.
Variant type: single nucleotide variant.
Coding change: c.974G>T on transcript NM_033380.3 (MANE Select); coding-DNA position 974, G replaced by T.
Protein change: p.Gly325Val; replaces glycine 325 with valine.
Molecular consequence: missense variant.
Genome position (GRCh38, 1-based): chrX:108,582,921, G>T. VCF-style: chrX-108582921-G-T. GRCh37 (hg19) VCF-style: chrX-107826151-G-T.
Other names: c.974G>T, p.Gly325Val (NM_000495.5); short protein forms G325V.
Identifiers: ClinVar variation 4885703 (VCV004885703.2).